The following is an entry in ClinVar:

NM_006922.4(SCN3A):c.1542A>C (p.Gly514=)

Gene: SCN3A (sodium voltage-gated channel alpha subunit 3; minus strand). Cytogenetic location: 2q24.3.
Variant type: single nucleotide variant.
Coding change: c.1542A>C on transcript NM_006922.4 (MANE Select); coding-DNA position 1542, A replaced by C.
Protein change: p.Gly514=; no amino-acid change (glycine 514 retained).
Molecular consequence: synonymous variant.
Genome position (GRCh38, 1-based): chr2:165,146,868, T>G on the plus strand (A>C on the coding strand, the complement: SCN3A is on the minus strand). VCF-style: chr2-165146868-T-G. GRCh37 (hg19) VCF-style: chr2-166003378-T-G.
Other names: c.1542A>C, p.Gly514= (NM_001081676.2, NM_001081677.2).
Identifiers: ClinVar variation 1126740 (VCV001126740.24), dbSNP rs765539152, ClinGen allele CA1939138.

ClinVar aggregate classification (germline): Likely benign. Review status: criteria provided, multiple submitters, no conflicts (2 of 4 stars). 3 submissions from 3 submitters: Likely benign (3). Last evaluated 2025-11-02.

Allele frequency attached by ClinVar (database versions not stated): gnomAD exomes below 0.00001 and 0.00001; ExAC 0.00001; gnomAD 0.00001; TOPMed 0.00003.
gnomAD v4.1: 7 of 1,614,076 alleles (0.00043%); highest among the groups gnomAD compares: East Asian, 0.011%; no homozygotes.

Submissions (3):

Labcorp Genetics (formerly Invitae), Labcorp
Classification: Likely benign. Last evaluated: 2025-11-02. Review status: criteria provided, single submitter. Criteria: Invitae Variant Classification Sherloc (09022015). Collection method: clinical testing. Allele origin: germline.

CeGaT Center for Human Genetics Tuebingen
Classification: Likely benign. Last evaluated: 2024-12-01. Review status: criteria provided, single submitter. Criteria: CeGaT Center For Human Genetics Tuebingen Variant Classification Criteria Version 2. Collection method: clinical testing. Allele origin: germline. Affected: yes. Observed: 1 variant allele.
Comment: SCN3A: BP4, BP7

Blueprint Genetics
Classification: Likely benign. Last evaluated: 2019-12-16. Review status: criteria provided, single submitter. Criteria: ACMG Guidelines, 2015. Collection method: clinical testing. Allele origin: germline.